The following is an entry in ClinVar:

NM_012418.4(FSCN2):c.1225T>C (p.Tyr409His)

Gene: FSCN2 (fascin actin-bundling protein 2, retinal; plus strand). Cytogenetic location: 17q25.3.
Variant type: single nucleotide variant.
Coding change: c.1225T>C on transcript NM_012418.4 (MANE Select); coding-DNA position 1225, T replaced by C.
Protein change: p.Tyr409His; replaces tyrosine 409 with histidine.
Molecular consequence: missense variant.
Genome position (GRCh38, 1-based): chr17:81,536,741, T>C. VCF-style: chr17-81536741-T-C. GRCh37 (hg19) VCF-style: chr17-79503767-T-C.
Other names: c.1297T>C, p.Tyr433His (NM_001077182.3); short protein forms Y433H, Y409H.
Identifiers: ClinVar variation 2129861 (VCV002129861.4), dbSNP rs754836741, ClinGen allele CA8837046.

ClinVar aggregate classification (germline): Uncertain significance (1 of 4 stars; one submission).

Allele frequency attached by ClinVar (database versions not stated): gnomAD exomes below 0.00001; ExAC 0.00001.

Submission:

Labcorp Genetics (formerly Invitae), Labcorp
Classification: Uncertain significance. Last evaluated: 2022-11-22. Review status: criteria provided, single submitter. Criteria: Invitae Variant Classification Sherloc (09022015). Collection method: clinical testing. Allele origin: germline.
Comment: In summary, the available evidence is currently insufficient to determine the role of this variant in disease. Therefore, it has been classified as a Variant of Uncertain Significance. Algorithms developed to predict the effect of missense changes on protein structure and function are either unavailable or do not agree on the potential impact of this missense change (SIFT: "Deleterious"; PolyPhen-2: "Probably Damaging"; Align-GVGD: "Class C0"). This variant has not been reported in the literature in individuals affected with FSCN2-related conditions. This variant is present in population databases (rs754836741, gnomAD 0.01%). This sequence change replaces tyrosine, which is neutral and polar, with histidine, which is basic and polar, at codon 433 of the FSCN2 protein (p.Tyr433His).